The following is an entry in ClinVar:

NM_000343.4(SLC5A1):c.947T>C (p.Leu316Pro)

Gene: SLC5A1 (solute carrier family 5 member 1; plus strand). Cytogenetic location: 22q12.3.
Variant type: single nucleotide variant.
Coding change: c.947T>C on transcript NM_000343.4 (MANE Select); coding-DNA position 947, T replaced by C.
Protein change: p.Leu316Pro; replaces leucine 316 with proline.
Molecular consequence: missense variant.
Genome position (GRCh38, 1-based): chr22:32,084,961, T>C. VCF-style: chr22-32084961-T-C. GRCh37 (hg19) VCF-style: chr22-32480948-T-C.
Other names: c.566T>C, p.Leu189Pro (NM_001256314.2); short protein forms L189P, L316P.
Identifiers: ClinVar variation 3255338 (VCV003255338.1).

ClinVar aggregate classification (germline): Likely pathogenic (1 of 4 stars; one submission).

Conditions:
Congenital glucose-galactose malabsorption (GGM). Also called: DIARRHEA 16; MONOSACCHARIDE MALABSORPTION. Identifiers: Orphanet 35710, MedGen C0268186, MONDO:0011731, OMIM 606824.

Submission:

Aleixo Muise Laboratory, Hospital For Sick Children
Classification: Likely pathogenic for Congenital glucose-galactose malabsorption. Last evaluated: 2024-07-05. Review status: criteria provided, single submitter. Criteria: ACMG Guidelines, 2015. Collection method: research. Allele origin: germline. Affected: yes. Observed: 1 variant allele.
Comment: PM2;PM5;PP3;PP4